The following is an entry in ClinVar:

ClinVar aggregate classification (germline): Uncertain significance. Review status: criteria provided, multiple submitters, no conflicts (2 of 4 stars). 3 submissions from 3 submitters: Uncertain significance (3). Last evaluated 2025-12-23.

Conditions:
Hereditary cancer-predisposing syndrome. Also called: Neoplastic Syndromes, Hereditary; Hereditary Cancer Syndrome; Hereditary neoplastic syndrome; Tumor predisposition. Identifiers: Orphanet 140162, MedGen C0027672, MeSH D009386, MONDO:0015356.

Allele frequency attached by ClinVar (database versions not stated): TOPMed 0.00002; ExAC 0.00004.

Submissions (3):

Labcorp Genetics (formerly Invitae), Labcorp
Classification: Uncertain significance. Last evaluated: 2025-12-23. Review status: criteria provided, single submitter. Criteria: Invitae Variant Classification Sherloc (09022015). Collection method: clinical testing. Allele origin: germline.
Comment: This sequence change replaces alanine, which is neutral and non-polar, with glutamic acid, which is acidic and polar, at codon 111 of the HOXB13 protein (p.Ala111Glu). This variant is present in population databases (rs781117900, gnomAD 0.006%). This variant has not been reported in the literature in individuals affected with HOXB13-related conditions. ClinVar contains an entry for this variant (Variation ID: 933797). Invitae Evidence Modeling of protein sequence and biophysical properties (such as structural, functional, and spatial information, amino acid conservation, physicochemical variation, residue mobility, and thermodynamic stability) indicates that this missense variant is not expected to disrupt HOXB13 protein function with a negative predictive value of 80%. In summary, the available evidence is currently insufficient to determine the role of this variant in disease. Therefore, it has been classified as a Variant of Uncertain Significance.

Ambry Genetics
Classification: Uncertain significance for Hereditary cancer-predisposing syndrome. Last evaluated: 2023-11-14. Review status: criteria provided, single submitter. Criteria: Ambry Variant Classification Scheme 2023. Collection method: clinical testing. Allele origin: germline.
Comment: The p.A111E variant (also known as c.332C>A), located in coding exon 1 of the HOXB13 gene, results from a C to A substitution at nucleotide position 332. The alanine at codon 111 is replaced by glutamic acid, an amino acid with dissimilar properties. This amino acid position is not well conserved in available vertebrate species. In addition, this alteration is predicted to be tolerated by in silico analysis. Since supporting evidence is limited at this time, the clinical significance of this alteration remains unclear.

GeneDx
Classification: Uncertain significance. Last evaluated: 2022-10-05. Review status: criteria provided, single submitter. Criteria: GeneDx Variant Classification Process June 2021. Collection method: clinical testing. Allele origin: germline. Affected: yes.
Comment: In silico analysis supports that this missense variant does not alter protein structure/function; Has not been previously published as pathogenic or benign to our knowledge

NM_006361.6(HOXB13):c.332C>A (p.Ala111Glu)

Gene: HOXB13 (homeobox B13; minus strand). Cytogenetic location: 17q21.32.
Variant type: single nucleotide variant.
Coding change: c.332C>A on transcript NM_006361.6 (MANE Select); coding-DNA position 332, C replaced by A.
Protein change: p.Ala111Glu; replaces alanine 111 with glutamic acid.
Molecular consequence: missense variant.
Genome position (GRCh38, 1-based): chr17:48,728,262, G>T on the plus strand (C>A on the coding strand, the complement: HOXB13 is on the minus strand). VCF-style: chr17-48728262-G-T. GRCh37 (hg19) VCF-style: chr17-46805624-G-T.
Other names: short protein forms A111E.
Identifiers: ClinVar variation 933797 (VCV000933797.13), dbSNP rs781117900, ClinGen allele CA8634008.
Genomic context (GRCh38, chr17:48,728,262, plus strand): 5'-GGATAGAAGGCAAACTCAGTGGGGCGGCTGGGGTACTCTTCCCCGGCCGTGGGAGTCTCC[G>T]CGGGGTACGCGGCCAGGGTGGCTGCCTGGGCACAGGGTTTCAGCGAGCTCCGGGACACTC-3'
Protein context (NP_006352.2, residues 101-121): AQAATLAAYP[Ala111Glu]ETPTAGEEYP